The following is an entry in ClinVar:

NM_016156.6(MTMR2):c.262+5G>T

Gene: MTMR2 (myotubularin related protein 2; minus strand). Cytogenetic location: 11q21.
Variant type: single nucleotide variant.
Coding change: c.262+5G>T on transcript NM_016156.6 (MANE Select); 5 bases into the intron after coding-DNA position 262, G replaced by T.
Molecular consequence: intron variant.
Genome position (GRCh38, 1-based): chr11:95,865,596, C>A on the plus strand (G>T on the coding strand, the complement: MTMR2 is on the minus strand). VCF-style: chr11-95865596-C-A. GRCh37 (hg19) VCF-style: chr11-95598760-C-A.
Other names: c.46+5G>T (NM_201281.3, NM_201278.3, NM_001243571.2).
Identifiers: ClinVar variation 3256761 (VCV003256761.1).
Genomic context (GRCh38, chr11:95,865,596, plus strand): 5'-AGAGTACTGAACATTCTGCACAGTAGAACGGAGAAGGACATTAAGCAAAAAATACCATTA[C>A]GGACCCATGTCTTTAATATTTTCTCCTGGAAGCAAGGGTGGTTCTTCCATTTCTGCTAAC-3'

ClinVar aggregate classification (germline): Likely pathogenic (0 of 4 stars; one submission).

Conditions:
Charcot-Marie-Tooth disease type 4B1. Also called: CHARCOT-MARIE-TOOTH DISEASE, AUTOSOMAL RECESSIVE, WITH FOCALLY FOLDED MYELIN SHEATHS, AUTOSOMAL RECESSIVE, TYPE 4B1; CHARCOT-MARIE-TOOTH DISEASE, TYPE 4B; Charcot-Marie-Tooth Neuropathy Type 4B1; CHARCOT-MARIE-TOOTH DISEASE, DEMYELINATING, TYPE 4B1. Identifiers: Orphanet 99955, MedGen C1832399, MONDO:0011066, OMIM 601382.

Submission:

Solve-RD Consortium
Classification: Likely pathogenic for Charcot-Marie-Tooth disease type 4B1. Last evaluated: 2022-06-01. Review status: no assertion criteria provided. Collection method: provider interpretation. Allele origin: inherited. Affected: yes.
Comment: Variant confirmed as disease-causing by referring clinical team

Variant identified during reanalysis of unsolved cases by the Solve-RD project. The Solve-RD project has received funding from the European Union’s Horizon 2020 research and innovation programme under grant agreement No 779257.

Literature cited by the submitters: PubMed 39825153.